The following is an entry in ClinVar:

NC_012920.1(MT-TR):m.10446A>G

Gene: MT-TR (mitochondrially encoded tRNA arginine; plus strand).
Variant type: single nucleotide variant.
Genome position: chrM-10446-A-G.
Identifiers: ClinVar variation 690120 (VCV000690120.1), dbSNP rs1603222835, ClinGen allele CA913163299.
Genomic context (GRCh38, chrMT:10,446, plus strand): 5'-GGATTAGACTGAACCGAATTGGTATATAGTTTAAACAAAACGAATGATTTCGACTCATTA[A>G]ATTATGATAATCATATTTACCAAATGCCCCTCATTTACATAAATATTATACTAGCATTTA-3'

ClinVar aggregate classification (germline): Likely benign (1 of 4 stars; one submission).

Conditions:
MELAS syndrome (MELAS). Also called: Juvenile myopathy, encephalopathy, lactic acidosis, stroke. Identifiers: Orphanet 550, MedGen C0162671, MONDO:0010789, OMIM 540000.

Submission:

Wong Mito Lab, Molecular and Human Genetics, Baylor College of Medicine
Classification: Likely benign for MELAS syndrome. Last evaluated: 2019-07-12. Review status: criteria provided, single submitter. Criteria: Modified ACMG Guidelines (Unpublished). Collection method: clinical testing. Allele origin: germline.
Comment: The NC_012920.1:m.10446A>G variant in MT-TR gene is interpreted to be a Likely Benign variant based on the modified ACMG guidelines (unpublished). This variant meets the following evidence codes reported in the guidelines: BS4, BP4, BP6

Literature cited by the submitters: PubMed 31965079.